The following is an entry in ClinVar:

ClinVar aggregate classification (germline): Likely benign (0 of 4 stars; one submission).

Conditions:
ZPBP-related disorder. Also called: ZPBP-related condition.

Allele frequency attached by ClinVar (database versions not stated): ESP Exome Variant Server 0.00023; TOPMed 0.00036; gnomAD 0.00046; gnomAD exomes 0.00062; ExAC 0.00134; 1000 Genomes Project 0.00180; 1000 Genomes Project 30x 0.00187.
gnomAD v4.1: 979 of 1,602,960 alleles (0.061%); highest among the groups gnomAD compares: South Asian, 0.51%; 3 homozygotes.

Submissions (2):

PreventionGenetics, part of Exact Sciences
Classification: Likely benign for ZPBP-related condition. Last evaluated: 2019-10-28. Review status: no assertion criteria provided. Collection method: clinical testing. Allele origin: germline.
Comment: This variant is classified as likely benign based on ACMG/AMP sequence variant interpretation guidelines (Richards et al. 2015 PMID: 25741868, with internal and published modifications).

Dr. Peter K. Rogan Lab, Western University
No classification provided (evidence only). Condition: Familial cancer of breast. Review status: no classification provided. Collection method: in vitro. Allele origin: not applicable. Functional consequence: retained intron. Not counted in ClinVar's aggregate classification.

NM_007009.3(ZPBP):c.488-9T>G

Gene: ZPBP (zona pellucida binding protein; minus strand). Cytogenetic location: 7p12.2.
Variant type: single nucleotide variant.
Coding change: c.488-9T>G on transcript NM_007009.3 (MANE Select); 9 bases into the intron before coding-DNA position 488, T replaced by G.
Molecular consequence: intron variant.
Genome position (GRCh38, 1-based): chr7:50,031,319, A>C on the plus strand (T>G on the coding strand, the complement: ZPBP is on the minus strand). VCF-style: chr7-50031319-A-C. GRCh37 (hg19) VCF-style: chr7-50070915-A-C.
Other names: NC_000007.13:g.50070915A>C; c.485-9T>G (NM_001159878.2).
Identifiers: ClinVar variation 3046187 (VCV003046187.3), dbSNP rs190123663, ClinGen allele CA4260803.